The following is an entry in ClinVar:

ClinVar aggregate classification (germline): Pathogenic. Review status: criteria provided, multiple submitters, no conflicts (2 of 4 stars). 4 submissions from 4 submitters: Pathogenic (4). Last evaluated 2025-09-10.

Conditions:
Hereditary cancer-predisposing syndrome. Also called: Hereditary neoplastic syndrome; Tumor predisposition; Neoplastic Syndromes, Hereditary; Hereditary Cancer Syndrome. Identifiers: Orphanet 140162, MedGen C0027672, MeSH D009386, MONDO:0015356.
Familial adenomatous polyposis 1 (FAP1). Also called: FAMILIAL ADENOMATOUS POLYPOSIS 1, ATTENUATED; POLYPOSIS, ADENOMATOUS INTESTINAL. Identifiers: MedGen C2713442, MONDO:0021056, OMIM 175100. Disease mechanism: loss of function.

Submissions (4):

Labcorp Genetics (formerly Invitae), Labcorp
Classification: Pathogenic for Familial adenomatous polyposis 1. Last evaluated: 2025-09-10. Review status: criteria provided, single submitter. Criteria: Invitae Variant Classification Sherloc (09022015). Collection method: clinical testing. Allele origin: germline.
Comment: This sequence change creates a premature translational stop signal (p.Thr509Ilefs*5) in the APC gene. It is expected to result in an absent or disrupted protein product. Loss-of-function variants in APC are known to be pathogenic (PMID: 17963004, 20685668). This variant is not present in population databases (gnomAD no frequency). This variant has not been reported in the literature in individuals affected with APC-related conditions. ClinVar contains an entry for this variant (Variation ID: 419764). For these reasons, this variant has been classified as Pathogenic.

Ambry Genetics
Classification: Pathogenic for Hereditary cancer-predisposing syndrome. Last evaluated: 2025-06-27. Review status: criteria provided, single submitter. Criteria: Ambry Variant Classification Scheme 2023. Collection method: clinical testing. Allele origin: germline.
Comment: The c.1526delC pathogenic mutation, located in coding exon 11 of the APC gene, results from a deletion of one nucleotide at nucleotide position 1526, causing a translational frameshift with a predicted alternate stop codon (p.T509Ifs*5). This variant was reported in individual(s) with features consistent with APC-related familial adenomatous polyposis (Ambry internal data). This variant is considered to be rare based on population cohorts in the Genome Aggregation Database (gnomAD). This alteration is expected to result in loss of function by premature protein truncation or nonsense-mediated mRNA decay. As such, this alteration is interpreted as a disease-causing mutation.

Myriad Genetics, Inc.
Classification: Pathogenic for Familial adenomatous polyposis 1. Last evaluated: 2023-05-01. Review status: criteria provided, single submitter. Criteria: Myriad Autosomal Dominant, Autosomal Recessive and X-Linked Classification Criteria (2023). Collection method: clinical testing. Allele origin: unknown.
Comment: This variant is considered pathogenic. This variant creates a frameshift predicted to result in premature protein truncation.

GeneDx
Classification: Pathogenic. Last evaluated: 2015-09-02. Review status: criteria provided, single submitter. Criteria: GeneDx Variant Classification (06012015). Collection method: clinical testing. Allele origin: germline. Affected: yes.
Comment: This deletion of one nucleotide in APC is denoted c.1526delC at the cDNA level and p.Thr509IlefsX5 (T509IfsX5) at the protein level. The normal sequence, with the base that is deleted in braces, is TTGA[C]TTTTG. The deletion causes a frameshift, which changes a Threonine to an Isoleucine at codon 509, and creates a premature stop codon at position 5 of the new reading frame. Although this variant has not, to our knowledge, been reported in the literature, it is predicted to cause loss of normal protein function through either protein truncation or nonsense-mediated mRNA decay. we consider this variant to be pathogenic.

Literature cited by the submitters: PubMed 17963004 (cited by Labcorp Genetics (formerly Invitae), Labcorp); PubMed 20685668 (cited by Labcorp Genetics (formerly Invitae), Labcorp).

NM_000038.6(APC):c.1526del (p.Thr509fs)

Gene: APC (APC regulator of Wnt signaling pathway; plus strand). Cytogenetic location: 5q22.2.
Variant type: Deletion.
Coding change: c.1526del on transcript NM_000038.6 (MANE Select); coding-DNA position 1526, one base deleted (C; older notation c.1526delC).
Protein change: p.Thr509fs; shifts the reading frame from threonine 509.
Molecular consequence: frameshift variant.
Genome position (GRCh38, 1-based): chr5:112,827,225, C deleted. VCF-style (leftmost placement, unchanged base first): chr5-112827224-AC-A. GRCh37 (hg19) VCF-style: chr5-112162921-AC-A.
Other names: c.1526del, p.Thr509fs (NM_001127510.3, NM_001354895.2); c.1472del, p.Thr491fs (NM_001127511.3); c.1580del, p.Thr527fs (NM_001354896.2); c.1556del, p.Thr519fs (NM_001354897.2); c.1451del, p.Thr484fs (NM_001354898.2); c.1442del, p.Thr481fs (NM_001354899.2); c.1403del, p.Thr468fs (NM_001354900.2); c.1349del, p.Thr450fs (NM_001354901.2); and 5 more; short protein forms T226fs, T418fs, T484fs, T509fs, T383fs, T468fs, T450fs, T481fs.
Identifiers: ClinVar variation 419764 (VCV000419764.12), dbSNP rs1064794092, ClinGen allele CA16618073.